The following is an entry in ClinVar:

NM_021625.5(TRPV4):c.1584C>T (p.Asn528=)

Gene: TRPV4 (transient receptor potential cation channel subfamily V member 4; minus strand). Cytogenetic location: 12q24.11.
Variant type: single nucleotide variant.
Coding change: c.1584C>T on transcript NM_021625.5 (MANE Select); coding-DNA position 1584, C replaced by T.
Protein change: p.Asn528=; no amino-acid change (asparagine 528 retained).
Molecular consequence: synonymous variant.
Genome position (GRCh38, 1-based): chr12:109,793,930, G>A on the plus strand (C>T on the coding strand, the complement: TRPV4 is on the minus strand). VCF-style: chr12-109793930-G-A. GRCh37 (hg19) VCF-style: chr12-110231735-G-A.
Other names: p.Asn528=; c.1443C>T, p.Asn481= (NM_001177428.2); c.1482C>T, p.Asn494= (NM_001177431.2); c.1263C>T, p.Asn421= (NM_001177433.2); c.1404C>T, p.Asn468= (NM_147204.3).
Identifiers: ClinVar variation 578089 (VCV000578089.16), dbSNP rs142749412, ClinGen allele CA6780183.
Genomic context (GRCh38, chr12:109,793,930, plus strand): 5'-AGGTGCAGGAAGAGAAGAGGAGGGCAGGCAGGGTGGGGGGCACGGGGGCCAGGCACTTAC[G>A]TTGGTGAAGAAGAACAGGACCCCAGTGAAGAGCGTAATGACCTCGCCAGCCAGCCGCAGG-3'
Protein context (NP_067638.3, residues 518-538): LFTGVLFFFT[Asn528=]IKDLFMKKCP

ClinVar aggregate classification (germline): Conflicting classifications of pathogenicity. Review status: criteria provided, conflicting classifications (1 of 4 stars). 11 submissions from 6 submitters: Uncertain significance (2); Benign (1); Likely benign (8). Last evaluated 2026-01-12.

Conditions:
Charcot-Marie-Tooth disease axonal type 2C (HMSN2C). Also called: Charcot-Marie-Tooth Disease Type 2, TRPV4-Related (CMT2C); CHARCOT-MARIE-TOOTH DISEASE, AXONAL, AUTOSOMAL DOMINANT, TYPE 2C; Charcot-Marie-Tooth Neuropathy Type 2C. Identifiers: Orphanet 99937, MedGen C1853710, MONDO:0011633, OMIM 606071.
Metatropic dysplasia (MTD). Also called: Metatropic Dysplasia, TRPV4-Related; METATROPIC DWARFISM; Metatropic dysplasia, nonlethal dominant. Identifiers: Orphanet 2635, MedGen C0265281, MONDO:0007986, OMIM 156530.
Neuronopathy, distal hereditary motor, autosomal dominant 8. Also called: Autosomal dominant congenital benign spinal muscular atrophy; SPINAL MUSCULAR ATROPHY, CONGENITAL BENIGN, WITH CONTRACTURES; NEURONOPATHY, DISTAL HEREDITARY MOTOR, TYPE VIII; NEUROPATHY, DISTAL HEREDITARY MOTOR, TYPE VIII. Identifiers: Orphanet 1216, MedGen C1838492, MONDO:0010839, OMIM 600175.
TRPV4-related disorder. Also called: TRPV4-related disorders; TRPV4-related condition.
Inborn genetic diseases. Identifiers: MedGen C0950123, MeSH D030342.
Scapuloperoneal spinal muscular atrophy (SPSMA). Also called: Scapuloperoneal spinal muscular atrophy, autosomal dominant; AMYOTROPHY, NEUROGENIC SCAPULOPERONEAL, NEW ENGLAND TYPE; Scapuloperoneal Form of Spinal Muscular Atrophy; Scapuloperoneal Spinal Muscular Atrophy, TRPV4-Related. Identifiers: Orphanet 431255, MedGen C0751335, MONDO:0008408, OMIM 181405.
Brachyrachia (short spine dysplasia) (BCYM3). Also called: Autosomal dominant brachyolmia; BRACHYRACHIA; Brachyolmia, TRPV4-Related; Brachyolmia Type 3. Identifiers: Orphanet 93304, MedGen C0432227, MONDO:0007232, OMIM 113500.
Spondylometaphyseal dysplasia, Kozlowski type (SMDK). Also called: Spondylometaphyseal Dysplasia, TRPV4-Related (Kozlowski Type); Dysmorphism arthrogryposis skeletal maturation advanced; Jequier-Kozlowski syndrome; Skeletal dysplasia Jequier-Kozlowski type; SMD Kozlowski type. Identifiers: Orphanet 93314, MedGen C0265280, MONDO:0008477, OMIM 184252.

Allele frequency attached by ClinVar (database versions not stated): gnomAD exomes 0.00007; ExAC 0.00009; gnomAD 0.00015 and 0.00016; TOPMed 0.00020; ESP Exome Variant Server 0.00031.
gnomAD v4.1: 128 of 1,607,484 alleles (0.008%); highest among the groups gnomAD compares: African/African-American, 0.053%; 1 homozygote.

Submissions (11):

Labcorp Genetics (formerly Invitae), Labcorp
Classification: Uncertain significance for Charcot-Marie-Tooth disease axonal type 2C. Last evaluated: 2026-01-12. Review status: criteria provided, single submitter. Criteria: Invitae Variant Classification Sherloc (09022015). Collection method: clinical testing. Allele origin: germline.
Comment: This sequence change affects codon 528 of the TRPV4 mRNA. It is a 'silent' change, meaning that it does not change the encoded amino acid sequence of the TRPV4 protein. It affects a nucleotide within the consensus splice site. This variant is present in population databases (rs142749412, gnomAD 0.05%), and has an allele count higher than expected for a pathogenic variant. This variant has not been reported in the literature in individuals affected with TRPV4-related conditions. ClinVar contains an entry for this variant (Variation ID: 578089). Algorithms developed to predict the effect of sequence changes on RNA splicing suggest that this variant is not likely to affect RNA splicing. In summary, the available evidence is currently insufficient to determine the role of this variant in disease. Therefore, it has been classified as a Variant of Uncertain Significance.

Mayo Clinic Laboratories, Mayo Clinic
Classification: Likely benign. Last evaluated: 2025-10-07. Review status: criteria provided, single submitter. Criteria: ACMG Guidelines, 2015. Collection method: clinical testing. Allele origin: germline. Observed: 1 variant allele.
Comment: BP4, BP7

PreventionGenetics, part of Exact Sciences
Classification: Likely benign for TRPV4-related condition. Last evaluated: 2025-08-15. Review status: criteria provided, single submitter. Criteria: ACMG Guidelines, 2015. Collection method: clinical testing. Allele origin: germline.
Comment: This variant is classified as likely benign based on ACMG/AMP sequence variant interpretation guidelines (Richards et al. 2015 PMID: 25741868, with internal and published modifications).

ARUP Laboratories, Molecular Genetics and Genomics, ARUP Laboratories
Classification: Likely benign. Last evaluated: 2022-03-18. Review status: criteria provided, single submitter. Criteria: ARUP Molecular Germline Variant Investigation Process 2021. Collection method: clinical testing. Allele origin: germline.

Ambry Genetics
Classification: Benign for Inborn genetic diseases. Last evaluated: 2020-08-19. Review status: criteria provided, single submitter. Criteria: Ambry Variant Classification Scheme 2023. Collection method: clinical testing. Allele origin: germline.

Illumina Laboratory Services, Illumina
Classification: Likely benign for Scapuloperoneal spinal muscular atrophy. Last evaluated: 2018-01-13. Review status: criteria provided, single submitter. Criteria: ICSL Variant Classification Criteria 13 December 2019. Collection method: clinical testing. Allele origin: germline.
Comment: This variant was observed in the ICSL laboratory as part of a predisposition screen in an ostensibly healthy population. It had not been previously curated by ICSL or reported in the Human Gene Mutation Database (HGMD: prior to June 1st, 2018), and was therefore a candidate for classification through an automated scoring system. Utilizing variant allele frequency, disease prevalence and penetrance estimates, and inheritance mode, an automated score was calculated to assess if this variant is too frequent to cause the disease. Based on the score and internal cut-off values, a variant classified as likely benign is not then subjected to further curation. The score for this variant resulted in a classification of likely benign for this disease.

Illumina Laboratory Services, Illumina
Classification: Uncertain significance for Charcot-Marie-Tooth disease axonal type 2C. Last evaluated: 2018-01-13. Review status: criteria provided, single submitter. Criteria: ICSL Variant Classification Criteria 13 December 2019. Collection method: clinical testing. Allele origin: germline.

Illumina Laboratory Services, Illumina
Classification: Likely benign for Metatropic dysplasia. Last evaluated: 2018-01-13. Review status: criteria provided, single submitter. Criteria: ICSL Variant Classification Criteria 13 December 2019. Collection method: clinical testing. Allele origin: germline.
Comment: the same text as in the submission from Illumina Laboratory Services, Illumina above.

Illumina Laboratory Services, Illumina
Classification: Likely benign for Brachyrachia (short spine dysplasia). Last evaluated: 2018-01-13. Review status: criteria provided, single submitter. Criteria: ICSL Variant Classification Criteria 13 December 2019. Collection method: clinical testing. Allele origin: germline.
Comment: the same text as in the submission from Illumina Laboratory Services, Illumina above.

Illumina Laboratory Services, Illumina
Classification: Likely benign for Spondylometaphyseal dysplasia, Kozlowski type. Last evaluated: 2018-01-13. Review status: criteria provided, single submitter. Criteria: ICSL Variant Classification Criteria 13 December 2019. Collection method: clinical testing. Allele origin: germline.
Comment: the same text as in the submission from Illumina Laboratory Services, Illumina above.

Illumina Laboratory Services, Illumina
Classification: Likely benign for Neuronopathy, distal hereditary motor, autosomal dominant 8. Last evaluated: 2018-01-13. Review status: criteria provided, single submitter. Criteria: ICSL Variant Classification Criteria 13 December 2019. Collection method: clinical testing. Allele origin: germline.
Comment: the same text as in the submission from Illumina Laboratory Services, Illumina above.